The following is an entry in ClinVar:

ClinVar aggregate classification (germline): Conflicting classifications of pathogenicity. Review status: criteria provided, conflicting classifications (1 of 4 stars). 4 submissions from 4 submitters: Uncertain significance (1); Likely benign (2). 1 of the submissions does not count toward it. Last evaluated 2026-01-26.

Conditions:
NPC1-related disorder. Also called: NPC1-related condition.
Inborn genetic diseases. Identifiers: MedGen C0950123, MeSH D030342.
Niemann-Pick disease, type C1. Also called: NEUROVISCERAL STORAGE DISEASE WITH VERTICAL SUPRANUCLEAR OPHTHALMOPLEGIA; NIEMANN-PICK DISEASE WITH CHOLESTEROL ESTERIFICATION BLOCK; NIEMANN-PICK DISEASE WITHOUT SPHINGOMYELINASE DEFICIENCY; NIEMANN-PICK DISEASE, CHRONIC NEURONOPATHIC FORM; NIEMANN-PICK DISEASE, VARIANT TYPE C1. Identifiers: Orphanet 646, MedGen C3179455, MONDO:0009757, OMIM 257220.

Allele frequency attached by ClinVar (database versions not stated): ExAC 0.00002; gnomAD exomes 0.00002; TOPMed 0.00003; ESP Exome Variant Server 0.00008.
gnomAD v4.1: 39 of 1,614,216 alleles (0.0024%); highest among the groups gnomAD compares: Admixed American, 0.0033%; no homozygotes.

Submissions (4):

Labcorp Genetics (formerly Invitae), Labcorp
Classification: Likely benign for Niemann-Pick disease, type C1. Last evaluated: 2026-01-26. Review status: criteria provided, single submitter. Criteria: Invitae Variant Classification Sherloc (09022015). Collection method: clinical testing. Allele origin: germline.

Ambry Genetics
Classification: Likely benign for Inborn genetic diseases. Last evaluated: 2020-01-19. Review status: criteria provided, single submitter. Criteria: Ambry Variant Classification Scheme 2023. Collection method: clinical testing. Allele origin: germline.

Illumina Laboratory Services, Illumina
Classification: Uncertain significance for Niemann-Pick disease type C1. Last evaluated: 2018-01-12. Review status: criteria provided, single submitter. Criteria: ICSL Variant Classification Criteria 13 December 2019. Collection method: clinical testing. Allele origin: germline.

PreventionGenetics, part of Exact Sciences
Classification: Likely benign for NPC1-related condition. Last evaluated: 2024-07-01. Review status: no assertion criteria provided. Collection method: clinical testing. Allele origin: germline. Not counted in ClinVar's aggregate classification.
Comment: This variant is classified as likely benign based on ACMG/AMP sequence variant interpretation guidelines (Richards et al. 2015 PMID: 25741868, with internal and published modifications).

NM_000271.5(NPC1):c.2337C>T (p.Phe779=)

Gene: NPC1 (NPC intracellular cholesterol transporter 1; minus strand). Cytogenetic location: 18q11.2.
Variant type: single nucleotide variant.
Coding change: c.2337C>T on transcript NM_000271.5 (MANE Select); coding-DNA position 2337, C replaced by T.
Protein change: p.Phe779=; no amino-acid change (phenylalanine 779 retained).
Molecular consequence: synonymous variant.
Genome position (GRCh38, 1-based): chr18:23,541,342, G>A on the plus strand (C>T on the coding strand, the complement: NPC1 is on the minus strand). VCF-style: chr18-23541342-G-A. GRCh37 (hg19) VCF-style: chr18-21121306-G-A.
Identifiers: ClinVar variation 889471 (VCV000889471.16), dbSNP rs367654655, ClinGen allele CA8913143.
Genomic context (GRCh38, chr18:23,541,342, plus strand): 5'-ACTATAATCCTGGCACCAACTTACCTCTTGACGTTTAATGTCTAACCCCAAGAGACTCAC[G>A]AAACAGGTAATCTGCAGAAGAAAGTCAATGAAGACTGCCAATCCCGCAAAGAGAGAGAAG-3'
Protein context (NP_000262.2, residues 769-789): FIDFLLQITC[Phe779=]VSLLGLDIKR